The following is an entry in ClinVar:

ClinVar aggregate classification (germline): Uncertain significance (1 of 4 stars; one submission).

Submission:

GeneDx
Classification: Uncertain significance. Last evaluated: 2020-06-25. Review status: criteria provided, single submitter. Criteria: GeneDx Variant Classification Process June 2021. Collection method: clinical testing. Allele origin: germline. Affected: yes.
Comment: Not observed in large population cohorts (Lek et al., 2016); In silico analysis supports that this missense variant has a deleterious effect on protein structure/function; Has not been previously published as pathogenic or benign to our knowledge

NM_203475.3(PORCN):c.765C>A (p.Asn255Lys)

Gene: PORCN (porcupine O-acyltransferase; plus strand). Cytogenetic location: Xp11.23.
Variant type: single nucleotide variant.
Coding change: c.765C>A on transcript NM_203475.3 (MANE Select); coding-DNA position 765, C replaced by A.
Protein change: p.Asn255Lys; replaces asparagine 255 with lysine.
Molecular consequence: missense variant.
Genome position (GRCh38, 1-based): chrX:48,514,285, C>A. VCF-style: chrX-48514285-C-A. GRCh37 (hg19) VCF-style: chrX-48372673-C-A.
Other names: c.519C>A, p.Asn173Lys (NM_001282167.2); c.732C>A, p.Asn244Lys (NM_022825.4); c.750C>A, p.Asn250Lys (NM_203473.3); c.747C>A, p.Asn249Lys (NM_203474.1); short protein forms N173K, N244K, N249K, N250K, N255K.
Identifiers: ClinVar variation 1312905 (VCV001312905.2), dbSNP rs2147130162, ClinGen allele CA412846280.